The following is an entry in ClinVar:

NM_133379.5(TTN):c.10594A>T (p.Thr3532Ser)

Gene: TTN (titin; minus strand). Cytogenetic location: 2q31.2.
Variant type: single nucleotide variant.
Coding change: c.10594A>T on transcript NM_133379.5; coding-DNA position 10594, A replaced by T.
Protein change: p.Thr3532Ser; replaces threonine 3532 with serine.
Molecular consequence: missense variant. On other transcripts: intron variant (6).
Genome position (GRCh38, 1-based): chr2:178,751,806, T>A on the plus strand (A>T on the coding strand, the complement: TTN is on the minus strand). VCF-style: chr2-178751806-T-A. GRCh37 (hg19) VCF-style: chr2-179616533-T-A.
Other names: c.10594A>T (NM_133379.4); c.10222+1318A>T (NM_003319.4); c.10798+1318A>T (NM_133437.4); c.10597+1318A>T (NM_133432.3); c.10360+1318A>T (NM_133378.4, NM_001256850.1); c.11311+1318A>T (NM_001267550.2); short protein forms T3532S.
Identifiers: ClinVar variation 498377 (VCV000498377.6), dbSNP rs184293990, ClinGen allele CA2003878.

ClinVar aggregate classification (germline): Uncertain significance. Review status: criteria provided, multiple submitters, no conflicts (2 of 4 stars). 2 submissions from 2 submitters: Uncertain significance (2). Last evaluated 2025-10-02.

Conditions:
TTN-related disorder. Also called: TTN-related condition; TTN-related disease; TTN-related disorders.

Allele frequency attached by ClinVar (database versions not stated): gnomAD 0.00001 and 0.00002; TOPMed 0.00001; gnomAD exomes 0.00003 and 0.00005; ExAC 0.00004; 1000 Genomes Project 30x 0.00031; 1000 Genomes Project 0.00040.
gnomAD v4.1: 50 of 1,613,008 alleles (0.0031%); highest among the groups gnomAD compares: East Asian, 0.11%; no homozygotes.

Submissions (2):

PreventionGenetics, part of Exact Sciences
Classification: Uncertain significance for TTN-related condition. Last evaluated: 2025-10-02. Review status: criteria provided, single submitter. Criteria: ACMG Guidelines, 2015. Collection method: clinical testing. Allele origin: germline.
Comment: The TTN c.10594A>T variant is predicted to result in the amino acid substitution p.Thr3532Ser. Of note, this variant is also referred to as c.10594A>T (p.Thr3532Ser), located in exon 46 of the alternative Novex-3 transcript NM_133379 (minor small cardiac isoform). This exon is not included in any other TTN transcripts (principle cardiac or skeletal muscle isoforms). To our knowledge, this variant has not been reported in the literature. This variant is reported in 0.065% of alleles in individuals of East Asian descent in gnomAD. Although we suspect that this variant may be benign, at this time, the clinical significance of this variant is uncertain due to the absence of conclusive functional and genetic evidence.

Eurofins Ntd Llc (ga)
Classification: Uncertain significance. Last evaluated: 2016-11-21. Review status: criteria provided, single submitter. Criteria: EGL Classification Definitions 2015. Collection method: clinical testing. Allele origin: germline. Observed: 1 variant allele, 1 heterozygote.